The following is an entry in ClinVar:

ClinVar aggregate classification (germline): Uncertain significance (1 of 4 stars; one submission).

Allele frequency attached by ClinVar (database versions not stated): gnomAD exomes below 0.00001; ExAC 0.00001; TOPMed 0.00004; gnomAD 0.00005.
gnomAD v4.1: 13 of 1,614,062 alleles (0.00081%); highest among the groups gnomAD compares: African/African-American, 0.017%; no homozygotes.

Submission:

Labcorp Genetics (formerly Invitae), Labcorp
Classification: Uncertain significance. Last evaluated: 2022-07-19. Review status: criteria provided, single submitter. Criteria: Invitae Variant Classification Sherloc (09022015). Collection method: clinical testing. Allele origin: germline.
Comment: This sequence change replaces alanine, which is neutral and non-polar, with glycine, which is neutral and non-polar, at codon 286 of the COL18A1 protein (p.Ala286Gly). This variant is present in population databases (rs763764131, gnomAD 0.01%). This variant has not been reported in the literature in individuals affected with COL18A1-related conditions. ClinVar contains an entry for this variant (Variation ID: 1348354). Experimental studies and prediction algorithms are not available or were not evaluated, and the functional significance of this variant is currently unknown. In summary, the available evidence is currently insufficient to determine the role of this variant in disease. Therefore, it has been classified as a Variant of Uncertain Significance.

NM_001379500.1(COL18A1):c.857C>G (p.Ala286Gly)

Gene: COL18A1 (collagen type XVIII alpha 1 chain; plus strand). Cytogenetic location: 21q22.3.
Variant type: single nucleotide variant.
Coding change: c.857C>G on transcript NM_001379500.1 (MANE Select); coding-DNA position 857, C replaced by G.
Protein change: p.Ala286Gly; replaces alanine 286 with glycine.
Molecular consequence: missense variant.
Genome position (GRCh38, 1-based): chr21:45,476,409, C>G. VCF-style: chr21-45476409-C-G. GRCh37 (hg19) VCF-style: chr21-46896323-C-G.
Other names: c.1397C>G, p.Ala466Gly (NM_030582.4); c.2102C>G, p.Ala701Gly (NM_130444.3); short protein forms A701G, A286G, A466G.
Identifiers: ClinVar variation 1348354 (VCV001348354.3), dbSNP rs763764131, ClinGen allele CA10065970.
Genomic context (GRCh38, chr21:45,476,409, plus strand): 5'-AGGGCGCGGCCCTAAAACCCAGGCTCCCCGCGCCACCCCCCGTCACCACGCCACCCTTGG[C>G]TGGAGGCAGCAGCACGGAAGATTCCAGAAGTGAAGAAGTCGAGGAGCAGACCACGGTGGC-3'
Protein context (NP_001366429.1, residues 276-296): APPPVTTPPL[Ala286Gly]GGSSTEDSRS